The following is an entry in ClinVar:

ClinVar aggregate classification (germline): Conflicting classifications of pathogenicity. Review status: criteria provided, conflicting classifications (1 of 4 stars). 2 submissions from 2 submitters: Uncertain significance (1); Benign (1). Last evaluated 2026-06-08.

Conditions:
RAI1-related disorder. Also called: RAI1-related condition.

Allele frequency attached by ClinVar (database versions not stated): gnomAD exomes 0.00001 and 0.00002; TOPMed 0.00002; ExAC 0.00001; gnomAD 0.00001.
gnomAD v4.1: 33 of 1,612,586 alleles (0.002%); highest among the groups gnomAD compares: Middle Eastern, 0.016%; no homozygotes.

Submissions (2):

PreventionGenetics, part of Exact Sciences
Classification: Uncertain significance for RAI1-related condition. Last evaluated: 2026-06-08. Review status: criteria provided, single submitter. Criteria: ACMG Guidelines, 2015. Collection method: clinical testing. Allele origin: germline.
Comment: The RAI1 c.1571C>T variant is predicted to result in the amino acid substitution p.Pro524Leu. To our knowledge, this variant has not been reported in the literature. This variant is reported in 0.0024% of alleles in individuals of European (Non-Finnish) descent in gnomAD. At this time, the clinical significance of this variant is uncertain due to the absence of conclusive functional and genetic evidence.

Labcorp Genetics (formerly Invitae), Labcorp
Classification: Benign. Last evaluated: 2024-11-04. Review status: criteria provided, single submitter. Criteria: Invitae Variant Classification Sherloc (09022015). Collection method: clinical testing. Allele origin: germline.

NM_030665.4(RAI1):c.1571C>T (p.Pro524Leu)

Gene: RAI1 (retinoic acid induced 1; plus strand). Cytogenetic location: 17p11.2.
Variant type: single nucleotide variant.
Coding change: c.1571C>T on transcript NM_030665.4 (MANE Select); coding-DNA position 1571, C replaced by T.
Protein change: p.Pro524Leu; replaces proline 524 with leucine.
Molecular consequence: missense variant.
Genome position (GRCh38, 1-based): chr17:17,794,519, C>T. VCF-style: chr17-17794519-C-T. GRCh37 (hg19) VCF-style: chr17-17697833-C-T.
Other names: c.1571C>T (NM_030665.3); short protein forms P524L.
Identifiers: ClinVar variation 1426385 (VCV001426385.7), dbSNP rs747895890, ClinGen allele CA8418362.